The following is an entry in ClinVar:

NM_022770.4(GINS3):c.287G>C (p.Trp96Ser)

Gene: GINS3 (GINS complex subunit 3; plus strand). Cytogenetic location: 16q21.
Variant type: single nucleotide variant.
Coding change: c.287G>C on transcript NM_022770.4 (MANE Select); coding-DNA position 287, G replaced by C.
Protein change: p.Trp96Ser; replaces tryptophan 96 with serine.
Molecular consequence: missense variant. On other transcripts: intron variant (1).
Genome position (GRCh38, 1-based): chr16:58,403,198, G>C. VCF-style: chr16-58403198-G-C. GRCh37 (hg19) VCF-style: chr16-58437102-G-C.
Other names: c.404G>C, p.Trp135Ser (NM_001126129.2); c.187-1301G>C (NM_001126130.2); short protein forms W96S, W135S.
Identifiers: ClinVar variation 632838 (VCV000632838.1), dbSNP rs1334583313, ClinGen allele CA396176024.

ClinVar aggregate classification (germline): Uncertain significance (1 of 4 stars; one submission).

Allele frequency attached by ClinVar (database versions not stated): gnomAD exomes below 0.00001.
gnomAD v4.1: 3 of 1,614,194 alleles (0.00019%); highest among the groups gnomAD compares: Non-Finnish European, 0.00017%; no homozygotes.

Submission:

Women's Health and Genetics/Laboratory Corporation of America, LabCorp
Classification: Uncertain significance. Last evaluated: 2017-10-05. Review status: criteria provided, single submitter. Criteria: LabCorp Variant Classification Summary - May 2015. Collection method: clinical testing. Allele origin: germline.
Comment: Variant summary: The GINS3 c.287G>C (p.Trp96Ser) variant located in the helical bundle-like domain superfamily (via InterPro) involves the alteration of a conserved nucleotide and 4/4 in silico tools predict a damaging outcome for this variant (SNPsandGO not captured due to low reliability index). However, these predictions have yet to be functionally assessed. This variant was found in 1/246252 control chromosomes at a frequency of 0.0000041 (gnomAD), which does not exceed the estimated maximal expected allele frequency of a pathogenic GINS3 variant (0.00001). The variant of interest has not, to our knowledge, been reported in affected individuals via publications and/or reputable databases/clinical diagnostic laboratories. Because of the absence of clinical information and the lack of functional studies, the variant is classified as a "Variant of Uncertain Significance (VUS)", until additional information becomes available.